The following is an entry in ClinVar:

ClinVar aggregate classification (germline): Uncertain significance. Review status: criteria provided, multiple submitters, no conflicts (2 of 4 stars). 2 submissions from 2 submitters: Uncertain significance (2). Last evaluated 2024-01-08.

Conditions:
Megaloblastic anemia, thiamine-responsive, with diabetes mellitus and sensorineural deafness (TRMA). Also called: ROGERS SYNDROME; THIAMINE-RESPONSIVE ANEMIA SYNDROME; THIAMINE-RESPONSIVE MYELODYSPLASIA; Thiamine-Responsive Megaloblastic Anemia Syndrome; THIAMINE METABOLISM DYSFUNCTION SYNDROME 1 (MEGALOBLASTIC ANEMIA, DIABETES MELLITUS, AND DEAFNESS TYPE). Identifiers: Orphanet 49827, MedGen C0342287, MONDO:0009575, OMIM 249270.

Allele frequency attached by ClinVar (database versions not stated): gnomAD 0.00001; gnomAD exomes 0.00001.
gnomAD v4.1: 4 of 1,558,616 alleles (0.00026%); highest among the groups gnomAD compares: Admixed American, 0.0038%; no homozygotes.

Submissions (2):

Fulgent Genetics
Classification: Uncertain significance for Megaloblastic anemia, thiamine-responsive, with diabetes mellitus and sensorineural deafness. Last evaluated: 2024-01-08. Review status: criteria provided, single submitter. Criteria: ACMG Guidelines, 2015. Collection method: clinical testing. Allele origin: germline.

Baylor Genetics
Classification: Uncertain significance for Megaloblastic anemia, thiamine-responsive, with diabetes mellitus and sensorineural deafness. Last evaluated: 2018-10-23. Review status: criteria provided, single submitter. Criteria: ACMG Guidelines, 2015. Collection method: clinical testing. Allele origin: paternal. Affected: yes.
Comment: This variant was determined to be of uncertain significance according to ACMG Guidelines, 2015 [PMID:25741868].

NM_006996.3(SLC19A2):c.124T>G (p.Phe42Val)

Genes: SLC19A2 (solute carrier family 19 member 2; minus strand), LOC129931894 (ATAC-STARR-seq lymphoblastoid silent region 1546; plus strand). Cytogenetic location: 1q24.2.
Variant type: single nucleotide variant.
Coding change: c.124T>G on transcript NM_006996.3 (MANE Select); coding-DNA position 124, T replaced by G.
Protein change: p.Phe42Val; replaces phenylalanine 42 with valine.
Molecular consequence: missense variant.
Genome position (GRCh38, 1-based): chr1:169,485,643, A>C on the plus strand (T>G on the coding strand, the complement: SLC19A2 is on the minus strand). VCF-style: chr1-169485643-A-C. GRCh37 (hg19) VCF-style: chr1-169454881-A-C.
Other names: c.124T>G, p.Phe42Val (NM_001319667.1); short protein forms F42V.
Identifiers: ClinVar variation 1034343 (VCV001034343.2), dbSNP rs1490832268, ClinGen allele CA343112236.